The following is an entry in ClinVar:

ClinVar aggregate classification (germline): Benign/Likely benign. Review status: criteria provided, multiple submitters, no conflicts (2 of 4 stars). 3 submissions from 3 submitters: Benign (1); Likely benign (2). Last evaluated 2024-10-15.

Conditions:
Hereditary diffuse gastric adenocarcinoma (HDGC). Also called: DIFFUSE GASTRIC AND LOBULAR BREAST CANCER SYNDROME. Identifiers: Orphanet 26106, MedGen C1708349, MONDO:0007648, OMIM 137215.
Hereditary cancer-predisposing syndrome. Also called: Tumor predisposition; Hereditary neoplastic syndrome; Neoplastic Syndromes, Hereditary; Hereditary Cancer Syndrome. Identifiers: Orphanet 140162, MedGen C0027672, MeSH D009386, MONDO:0015356.

Allele frequency attached by ClinVar (database versions not stated): gnomAD exomes below 0.00001.
gnomAD v4.1: 1 of 1,614,194 alleles (0.000062%); highest among the groups gnomAD compares: Non-Finnish European, 0.000085%; no homozygotes.

Submissions (3):

Myriad Genetics, Inc.
Classification: Benign for Hereditary diffuse gastric adenocarcinoma. Last evaluated: 2024-10-15. Review status: criteria provided, single submitter. Criteria: Myriad Autosomal Dominant, Autosomal Recessive and X-Linked Classification Criteria (2023). Collection method: clinical testing. Allele origin: unknown.
Comment: This variant is considered benign. This variant is a silent/synonymous amino acid change and it is not expected to impact splicing.

Labcorp Genetics (formerly Invitae), Labcorp
Classification: Likely benign. Last evaluated: 2024-06-10. Review status: criteria provided, single submitter. Criteria: Invitae Variant Classification Sherloc (09022015). Collection method: clinical testing. Allele origin: germline.

Ambry Genetics
Classification: Likely benign for Hereditary cancer-predisposing syndrome. Last evaluated: 2022-04-07. Review status: criteria provided, single submitter. Criteria: Ambry Variant Classification Scheme 2023. Collection method: clinical testing. Allele origin: germline.

NM_001903.5(CTNNA1):c.2355C>T (p.Leu785=)

Gene: CTNNA1 (catenin alpha 1; plus strand). Cytogenetic location: 5q31.2.
Variant type: single nucleotide variant.
Coding change: c.2355C>T on transcript NM_001903.5 (MANE Select); coding-DNA position 2355, C replaced by T.
Protein change: p.Leu785=; no amino-acid change (leucine 785 retained).
Molecular consequence: synonymous variant. On other transcripts: intron variant (1).
Genome position (GRCh38, 1-based): chr5:138,932,634, C>T. VCF-style: chr5-138932634-C-T. GRCh37 (hg19) VCF-style: chr5-138268323-C-T.
Other names: c.2355C>T, p.Leu785= (NM_001290307.3, NM_001323982.2, NM_001323983.1 and 2 more transcripts); c.2046C>T, p.Leu682= (NM_001290309.3); c.1986C>T, p.Leu662= (NM_001290310.3); c.1245C>T, p.Leu415= (NM_001290312.1, NM_001323987.1, NM_001323988.1 and 16 more transcripts); c.2262C>T, p.Leu754= (NM_001323986.2); c.906C>T, p.Leu302= (NM_001324006.1, NM_001324007.1, NM_001324008.1 and 2 more transcripts); c.1152C>T, p.Leu384= (NM_001324011.1); c.1002C>T, p.Leu334= (NM_001324012.1, NM_001324013.1); and 1 more.
Identifiers: ClinVar variation 702519 (VCV000702519.14), dbSNP rs1580930439, ClinGen allele CA446598204.
Genomic context (GRCh38, chr5:138,932,634, plus strand): 5'-TCAGTGCCCCGACTCGGCTTGCAAGCAGGACCTGCTGGCCTACCTGCAACGCATCGCCCT[C>T]TACTGCCACCAGCTGAACATCTGCAGCAAGGTCAAGGCCGAGGTGCAGAATCTCGGCGGG-3'
Protein context (NP_001894.2, residues 775-795): DLLAYLQRIA[Leu785=]YCHQLNICSK